The following is an entry in ClinVar:

NM_206898.2(MRAP):c.235del (p.Ser79fs)

Genes: MRAP (melanocortin 2 receptor accessory protein; plus strand), URB1 (URB1 ribosome biogenesis factor; minus strand). Cytogenetic location: 21q22.11.
Variant type: Deletion.
Coding change: c.235del on transcript NM_206898.2; coding-DNA position 235, one base deleted (T; older notation c.235delT).
Protein change: p.Ser79fs; shifts the reading frame from serine 79.
Molecular consequence: frameshift variant. On other transcripts: 3 prime UTR variant (1).
Genome position (GRCh38, 1-based): chr21:32,314,579, T deleted; the last of 2 consecutive T bases (chr21:32,314,578-32,314,579); deleting either gives the same sequence. VCF-style (leftmost placement, unchanged base first): chr21-32314577-AT-A. GRCh37 (hg19) VCF-style: chr21-33686888-AT-A.
Other names: c.*340del (NM_014825.3); short protein forms S79fs.
Identifiers: ClinVar variation 3355327 (VCV003355327.1).

ClinVar aggregate classification (germline): Uncertain significance (0 of 4 stars; one submission).

Conditions:
MRAP-related disorder. Also called: MRAP-related condition.

Submission:

PreventionGenetics, part of Exact Sciences
Classification: Uncertain significance for MRAP-related condition. Last evaluated: 2024-08-18. Review status: no assertion criteria provided. Collection method: clinical testing. Allele origin: germline.
Comment: The MRAP c.235delT variant is predicted to result in a frameshift and premature protein termination (p.Ser79Glnfs*60). To our knowledge, this variant has not been reported in the literature. This variant is reported in 0.016% of alleles in individuals of African descent in gnomAD. At this time, the clinical significance of this variant is uncertain due to the absence of conclusive functional and genetic evidence.